The following is an entry in ClinVar:

ClinVar aggregate classification (germline): Pathogenic/Likely pathogenic. Review status: criteria provided, multiple submitters, no conflicts (2 of 4 stars). 2 submissions from 2 submitters: Pathogenic (1); Likely pathogenic (1). Last evaluated 2026-09-08.

Conditions:
Fabry disease. Also called: Fabry's disease; GLA DEFICIENCY; HEREDITARY DYSTOPIC LIPIDOSIS; Angiokeratoma corporis diffusum; ALPHA-GALACTOSIDASE A DEFICIENCY; ANDERSON-FABRY DISEASE. Identifiers: Orphanet 324, MedGen C0002986, MONDO:0010526, OMIM 301500, HP:0001071. Disease mechanism: Fabry disease is due to inactivating mutations in the X-linked GLA gene resulting in deficiency of the enzyme Alpha Galactosidase-A., loss of function.

Submissions (2):

Genomenon, Inc
Classification: Pathogenic for Fabry disease. Last evaluated: 2026-09-08. Review status: criteria provided, single submitter. Criteria: Genomenon Sequence Variant Interpretation Standards - Updated. Collection method: curation. Allele origin: germline. Affected: yes.
Comment: GLA c.195-2A>G is a canonical splice variant affecting the acceptor splice site of intron 1. It is predicted to affect mRNA splicing, leading to a deleterious effect on the GLA protein. This variant has been observed in at least one proband with clinical features consistent with Fabry disease (PMID:39362930;17940724). It is absent or not present at a significant frequency in gnomAD. In conclusion, we classify GLA c.195-2A>G as a pathogenic variant.

3billion
Classification: Likely pathogenic for Fabry disease. Last evaluated: 2022-01-22. Review status: criteria provided, single submitter. Criteria: ACMG Guidelines, 2015. Collection method: clinical testing. Allele origin: germline. Affected: yes. Observed: 1 heterozygote.
Comment: Canonical splice site: predicted to alter splicing and result in a loss or disruption of normal protein function through nonsense-mediated decay (NMD) or protein truncation. Multiple pathogenic variants are reported downstream of the variant. The variant is not observed in the gnomAD v2.1.1 dataset. Therfore, this variant was classified as likely pathogenic.

Literature cited by the submitters: PubMed 39362930 (cited by Genomenon, Inc); PubMed 17940724 (cited by Genomenon, Inc).

NM_000169.3(GLA):c.195-2A>G

Genes: GLA (galactosidase alpha; minus strand), RPL36A-HNRNPH2 (RPL36A-HNRNPH2 readthrough; plus strand). Cytogenetic location: Xq22.1.
Variant type: single nucleotide variant.
Coding change: c.195-2A>G on transcript NM_000169.3 (MANE Select); the canonical splice acceptor site of the intron before coding-DNA position 195, A replaced by G.
Molecular consequence: splice acceptor variant. On other transcripts: intron variant (2).
Genome position (GRCh38, 1-based): chrX:101,403,987, T>C on the plus strand (A>G on the coding strand, the complement: GLA is on the minus strand). VCF-style: chrX-101403987-T-C. GRCh37 (hg19) VCF-style: chrX-100658975-T-C.
Other names: c.301-7949T>C (NM_001199973.2); c.178-7949T>C (NM_001199974.2); c.318-2A>G (NM_001406747.1, NM_001406749.1); c.195-2A>G (NM_001406748.1).
Identifiers: ClinVar variation 1334875 (VCV001334875.3), dbSNP rs2147480960, ClinGen allele CA413934816.